The following is an entry in ClinVar:

ClinVar aggregate classification (germline): Uncertain significance. Review status: criteria provided, multiple submitters, no conflicts (2 of 4 stars). 3 submissions from 3 submitters: Uncertain significance (3). Last evaluated 2025-05-24.

Conditions:
Hyperkalemic periodic paralysis. Also called: Familial hyperkalemic periodic paralysis; Gamstorp disease. Identifiers: Orphanet 682, MedGen C0238357, MONDO:0008224, OMIM 170500, HP:0007215.

Submissions (3):

Labcorp Genetics (formerly Invitae), Labcorp
Classification: Uncertain significance for Hyperkalemic periodic paralysis. Last evaluated: 2025-05-24. Review status: criteria provided, single submitter. Criteria: Invitae Variant Classification Sherloc (09022015). Collection method: clinical testing. Allele origin: germline.
Comment: This sequence change replaces glutamic acid, which is acidic and polar, with leucine, which is neutral and non-polar, at codon 481 of the SCN4A protein (p.Glu481Leu). This variant is present in population databases (no rsID available, gnomAD 0.001%). This variant has not been reported in the literature in individuals affected with SCN4A-related conditions. ClinVar contains an entry for this variant (Variation ID: 546444). An algorithm developed to predict the effect of missense changes on protein structure and function (PolyPhen-2) suggests that this variant is likely to be tolerated. In summary, the available evidence is currently insufficient to determine the role of this variant in disease. Therefore, it has been classified as a Variant of Uncertain Significance.

CeGaT Center for Human Genetics Tuebingen
Classification: Uncertain significance. Last evaluated: 2022-12-01. Review status: criteria provided, single submitter. Criteria: CeGaT Center For Human Genetics Tuebingen Variant Classification Criteria Version 2. Collection method: clinical testing. Allele origin: germline. Affected: yes. Observed: 1 variant allele.
Comment: SCN4A: PM2:Supporting

GeneDx
Classification: Uncertain significance. Last evaluated: 2018-05-18. Review status: criteria provided, single submitter. Criteria: GeneDx Variant Classification (06012015). Collection method: clinical testing. Allele origin: germline. Affected: yes.
Comment: A variant of uncertain significance has been identified in the SCN4A gene. The c.1441_1442delGAinsTT variant has not been published as a pathogenic variant, nor has it been reported as a benign variant to our knowledge. The c.1441_1442delGAinsTT variant is not observed in large population cohorts (Lek et al., 2016). The c.1441_1442delGAinsTT variant results in an in-frame change of a single Glutamic acid residue to a Leucine residue, denoted p.Glu481Leu. The c.1441_1442delGAinsTT variant is a non-conservative amino acid substitution, which is likely to impact secondary protein structure as these residues differ in polarity, charge, size and/or other properties. In-silico analyses, including protein predictors and evolutionary conservation, support a deleterious effect. Based on the currently available information, it is unclear whether this variant is a pathogenic variant or a rare benign variant.

NM_000334.4(SCN4A):c.1441_1442delinsTT (p.Glu481Leu)

Gene: SCN4A (sodium voltage-gated channel alpha subunit 4; minus strand). Cytogenetic location: 17q23.3.
Variant type: Indel.
Coding change: c.1441_1442delinsTT on transcript NM_000334.4 (MANE Select); coding-DNA positions 1441 to 1442, GA replaced by TT.
Protein change: p.Glu481Leu; replaces glutamic acid 481 with leucine.
Molecular consequence: missense variant.
Genome position (GRCh38, 1-based): chr17:63,964,478-63,964,479, TC replaced by AA on the plus strand (GA replaced by TT on the coding strand, the reverse complement: SCN4A is on the minus strand). VCF-style: chr17-63964478-TC-AA. GRCh37 (hg19) VCF-style: chr17-62041838-TC-AA.
Other names: c.1441_1442delGAinsTT (NM_000334.4); short protein forms E481L.
Identifiers: ClinVar variation 546444 (VCV000546444.42), dbSNP rs1555604122, ClinGen allele CA658824655.